The following is an entry in ClinVar:

ClinVar aggregate classification (germline): Uncertain significance. Review status: criteria provided, multiple submitters, no conflicts (2 of 4 stars). 3 submissions from 3 submitters: Uncertain significance (3). Last evaluated 2025-12-16.

Conditions:
46,XY sex reversal 11. Also called: Vanishing testis; Testicular regression syndrome; ANORCHIA, FAMILIAL; TESTICULAR REGRESSION, EMBRYONIC. Identifiers: Orphanet 983, MedGen C0266427, MONDO:8000015, OMIM 273250, HP:0012870.
Inborn genetic diseases. Identifiers: MedGen C0950123, MeSH D030342.

Allele frequency attached by ClinVar (database versions not stated): ExAC 0.00017; TOPMed 0.00019; ESP Exome Variant Server 0.00023; gnomAD 0.00025; gnomAD exomes 0.00026.
gnomAD v4.1: 378 of 1,498,384 alleles (0.025%); highest among the groups gnomAD compares: Non-Finnish European, 0.032%; no homozygotes.

Submissions (3):

Labcorp Genetics (formerly Invitae), Labcorp
Classification: Uncertain significance. Last evaluated: 2025-12-16. Review status: criteria provided, single submitter. Criteria: Invitae Variant Classification Sherloc (09022015). Collection method: clinical testing. Allele origin: germline.
Comment: This sequence change replaces isoleucine, which is neutral and non-polar, with threonine, which is neutral and polar, at codon 721 of the DHX37 protein (p.Ile721Thr). This variant is present in population databases (rs200059139, gnomAD 0.02%). This variant has not been reported in the literature in individuals affected with DHX37-related conditions. ClinVar contains an entry for this variant (Variation ID: 2045097). Invitae Evidence Modeling of protein sequence and biophysical properties (such as structural, functional, and spatial information, amino acid conservation, physicochemical variation, residue mobility, and thermodynamic stability) indicates that this missense variant is not expected to disrupt DHX37 protein function with a negative predictive value of 80%. In summary, the available evidence is currently insufficient to determine the role of this variant in disease. Therefore, it has been classified as a Variant of Uncertain Significance.

Dasa
Classification: Uncertain significance for 46,XY sex reversal 11. Last evaluated: 2025-10-01. Review status: criteria provided, single submitter. Criteria: DASA Assertion Criteria. Collection method: clinical testing. Allele origin: germline.
Comment: NM_032656.4(DHX37):c.2162T>C (p.Ile721Thr) is a missense variant that results in the substitution of isoleucine with threonine. This variant is rare in population databases. Computational prediction algorithms are consistent with a benign effect. The currently available literature and clinical evidence are not sufficient to establish a definitive association between this variant and the reported condition. Therefore, this variant is classified as a variant of uncertain significance.

Ambry Genetics
Classification: Uncertain significance for Inborn genetic diseases. Last evaluated: 2025-08-20. Review status: criteria provided, single submitter. Criteria: Ambry Variant Classification Scheme 2023. Collection method: clinical testing. Allele origin: germline.

NM_032656.4(DHX37):c.2162T>C (p.Ile721Thr)

Gene: DHX37 (DEAH-box helicase 37; minus strand). Cytogenetic location: 12q24.31.
Variant type: single nucleotide variant.
Coding change: c.2162T>C on transcript NM_032656.4 (MANE Select); coding-DNA position 2162, T replaced by C.
Protein change: p.Ile721Thr; replaces isoleucine 721 with threonine.
Molecular consequence: missense variant.
Genome position (GRCh38, 1-based): chr12:124,957,131, A>G on the plus strand (T>C on the coding strand, the complement: DHX37 is on the minus strand). VCF-style: chr12-124957131-A-G. GRCh37 (hg19) VCF-style: chr12-125441677-A-G.
Other names: c.2162T>C (NM_032656.3); short protein forms I721T.
Identifiers: ClinVar variation 2045097 (VCV002045097.9), dbSNP rs200059139, ClinGen allele CA6871732.
Genomic context (GRCh38, chr12:124,957,131, plus strand): 5'-AACAGCTCCTCGGCGGCAAGAAGGGCTTCCACGGAGGGGGGCGTCGGGAAGGGGAAGTTG[A>G]TGACCTGGGACACAAGGAGACGTGGCAGGGACAGGGTGAATGCCAAGAACAAGTCCGGTG-3'
Protein context (NP_116045.2, residues 711-731): QMKALNVEKV[Ile721Thr]NFPFPTPPSV